The following is an entry in ClinVar:

NM_001122769.3(LCA5):c.1165G>T (p.Glu389Ter)

Gene: LCA5 (lebercilin LCA5; minus strand). Cytogenetic location: 6q14.1.
Variant type: single nucleotide variant.
Coding change: c.1165G>T on transcript NM_001122769.3 (MANE Select); coding-DNA position 1165, G replaced by T.
Protein change: p.Glu389Ter; replaces glutamic acid 389 with a stop codon.
Molecular consequence: nonsense.
Genome position (GRCh38, 1-based): chr6:79,489,150, C>A on the plus strand (G>T on the coding strand, the complement: LCA5 is on the minus strand). VCF-style: chr6-79489150-C-A. GRCh37 (hg19) VCF-style: chr6-80198867-C-A.
Other names: c.1165G>T, p.Glu389Ter (NM_181714.4); short protein forms E389*.
Identifiers: ClinVar variation 1452693 (VCV001452693.6), dbSNP rs2127667058, ClinGen allele CA364642525.

ClinVar aggregate classification (germline): Pathogenic (1 of 4 stars; one submission).

Submission:

Labcorp Genetics (formerly Invitae), Labcorp
Classification: Pathogenic. Last evaluated: 2021-03-26. Review status: criteria provided, single submitter. Criteria: Invitae Variant Classification Sherloc (09022015). Collection method: clinical testing. Allele origin: germline.
Comment: For these reasons, this variant has been classified as Pathogenic. This variant has not been reported in the literature in individuals with LCA5-related conditions. This variant is not present in population databases (ExAC no frequency). This sequence change creates a premature translational stop signal (p.Glu389*) in the LCA5 gene. It is expected to result in an absent or disrupted protein product. Loss-of-function variants in LCA5 are known to be pathogenic (PMID: 17546029, 23946133).

Literature cited by the submitters: PubMed 17546029; PubMed 23946133.